The following is an entry in ClinVar:

NM_003036.4(SKI):c.2111A>G (p.Glu704Gly)

Gene: SKI (SKI proto-oncogene; plus strand). Cytogenetic location: 1p36.32.
Variant type: single nucleotide variant.
Coding change: c.2111A>G on transcript NM_003036.4 (MANE Select); coding-DNA position 2111, A replaced by G.
Protein change: p.Glu704Gly; replaces glutamic acid 704 with glycine.
Molecular consequence: missense variant.
Genome position (GRCh38, 1-based): chr1:2,306,689, A>G. VCF-style: chr1-2306689-A-G. GRCh37 (hg19) VCF-style: chr1-2238128-A-G.
Other names: short protein forms E704G.
Identifiers: ClinVar variation 532218 (VCV000532218.8), dbSNP rs1553201549, ClinGen allele CA337959764.

ClinVar aggregate classification (germline): Uncertain significance (1 of 4 stars; one submission).

Conditions:
Shprintzen-Goldberg syndrome (SGS). Also called: SHPRINTZEN-GOLDBERG CRANIOSYNOSTOSIS SYNDROME; CRANIOSYNOSTOSIS WITH ARACHNODACTYLY AND ABDOMINAL HERNIAS; Marfanoid disorder with craniosynostosis type 1; Marfanoid craniosynostosis syndrome; Shprintzen-Goldberg marfanoid syndrome. Identifiers: Orphanet 2462, MedGen C1321551, MONDO:0008426, OMIM 182212.

Submission:

Labcorp Genetics (formerly Invitae), Labcorp
Classification: Uncertain significance for Shprintzen-Goldberg syndrome. Last evaluated: 2017-08-22. Review status: criteria provided, single submitter. Criteria: Invitae Variant Classification Sherloc (09022015). Collection method: clinical testing. Allele origin: germline.
Comment: In summary, the available evidence is currently insufficient to determine the role of this variant in disease. Therefore, it has been classified as a Variant of Uncertain Significance. Algorithms developed to predict the effect of missense changes on protein structure and function output the following: SIFT: "Tolerated"; PolyPhen-2: "Benign"; Align-GVGD: "Class C0". The glycine amino acid residue is found in multiple mammalian species, suggesting that this missense change does not adversely affect protein function. These predictions have not been confirmed by published functional studies and their clinical significance is uncertain. This variant has not been reported in the literature in individuals with SKI-related disease. While this variant is not present in population databases, the frequency information is unreliable, as metrics indicate poor data quality at this position in the ExAC database. This sequence change replaces glutamic acid with glycine at codon 704 of the SKI protein (p.Glu704Gly). The glutamic acid residue is weakly conserved and there is a moderate physicochemical difference between glutamic acid and glycine.